The following is an entry in ClinVar:

NM_017780.4(CHD7):c.6565G>A (p.Gly2189Ser)

Gene: CHD7 (chromodomain helicase DNA binding protein 7; plus strand). Cytogenetic location: 8q12.2.
Variant type: single nucleotide variant.
Coding change: c.6565G>A on transcript NM_017780.4 (MANE Select); coding-DNA position 6565, G replaced by A.
Protein change: p.Gly2189Ser; replaces glycine 2189 with serine.
Molecular consequence: missense variant. On other transcripts: intron variant (1).
Genome position (GRCh38, 1-based): chr8:60,853,290, G>A. VCF-style: chr8-60853290-G-A. GRCh37 (hg19) VCF-style: chr8-61765849-G-A.
Other names: c.1717-8939G>A (NM_001316690.1); short protein forms G2189S.
Identifiers: ClinVar variation 2127233 (VCV002127233.4), dbSNP rs2488045540, ClinGen allele CA371325744.

ClinVar aggregate classification (germline): Uncertain significance (1 of 4 stars; one submission).

Conditions:
CHARGE syndrome (CHARGE). Also called: Hittner Hirsch Kreh syndrome; CHARGE ASSOCIATION--COLOBOMA, HEART ANOMALY, CHOANAL ATRESIA, RETARDATION, GENITAL AND EAR ANOMALIES; Coloboma, heart anomaly, choanal atresia, retardation, genital and ear anomalies; CHARGE association; Hall-Hittner syndrome. Identifiers: Orphanet 138, MedGen C0265354, MONDO:0008965.

Submission:

Labcorp Genetics (formerly Invitae), Labcorp
Classification: Uncertain significance for CHARGE syndrome. Last evaluated: 2022-04-17. Review status: criteria provided, single submitter. Criteria: Invitae Variant Classification Sherloc (09022015). Collection method: clinical testing. Allele origin: germline.
Comment: This sequence change replaces glycine, which is neutral and non-polar, with serine, which is neutral and polar, at codon 2189 of the CHD7 protein (p.Gly2189Ser). This variant is not present in population databases (gnomAD no frequency). This variant has not been reported in the literature in individuals affected with CHD7-related conditions. Advanced modeling of protein sequence and biophysical properties (such as structural, functional, and spatial information, amino acid conservation, physicochemical variation, residue mobility, and thermodynamic stability) performed at Invitae indicates that this missense variant is not expected to disrupt CHD7 protein function. In summary, the available evidence is currently insufficient to determine the role of this variant in disease. Therefore, it has been classified as a Variant of Uncertain Significance.